The following is an entry in ClinVar:

NM_006031.6(PCNT):c.2610-8T>C

Gene: PCNT (pericentrin; plus strand). Cytogenetic location: 21q22.3.
Variant type: single nucleotide variant.
Coding change: c.2610-8T>C on transcript NM_006031.6 (MANE Select); 8 bases into the intron before coding-DNA position 2610, T replaced by C.
Molecular consequence: intron variant.
Genome position (GRCh38, 1-based): chr21:46,366,576, T>C. VCF-style: chr21-46366576-T-C. GRCh37 (hg19) VCF-style: chr21-47786491-T-C.
Other names: c.2256-8T>C (NM_001315529.2).
Identifiers: ClinVar variation 284081 (VCV000284081.54), dbSNP rs377164652, ClinGen allele CA10079049.
Genomic context (GRCh38, chr21:46,366,576, plus strand): 5'-TGGCTTTTGCAAGGGTCATTGCTTCCTGATGCATGTTTAACTGTCCTGTGTTCACTTTGT[T>C]GCCGCAGGTTTTTAGAGGAACGTAAAGAGATCACCGAGAAATTCAGTGCGGAACAAGATG-3'

ClinVar aggregate classification (germline): Conflicting classifications of pathogenicity. Review status: criteria provided, conflicting classifications (1 of 4 stars). 8 submissions from 8 submitters: Uncertain significance (2); Likely benign (3). 3 of the submissions do not count toward it. Last evaluated 2026-06-01.

Conditions:
PCNT-related disorder. Also called: PCNT-related condition.
Microcephalic osteodysplastic primordial dwarfism type II (MOPD2). Also called: OSTEODYSPLASTIC PRIMORDIAL DWARFISM, TYPE II; Microcephalic osteodysplastic primordial dwarfism with tooth abnormalities; MOPD II. Identifiers: Orphanet 2637, MedGen C0432246, MONDO:0008872, OMIM 210720.

Allele frequency attached by ClinVar (database versions not stated): 1000 Genomes Project 30x 0.00031; 1000 Genomes Project 0.00040; TOPMed 0.00045; gnomAD 0.00047 and 0.00049; gnomAD exomes 0.00062 and 0.00085; ExAC 0.00077; ESP Exome Variant Server 0.00093.
gnomAD v4.1: 1,313 of 1,613,032 alleles (0.081%); highest among the groups gnomAD compares: Non-Finnish European, 0.097%; 1 homozygote.

Submissions (8):

CeGaT Center for Human Genetics Tuebingen
Classification: Likely benign. Last evaluated: 2026-06-01. Review status: criteria provided, single submitter. Criteria: CeGaT Center For Human Genetics Tuebingen Variant Classification Criteria Version 2. Collection method: clinical testing. Allele origin: germline. Affected: yes. Observed: 3 variant alleles.
Comment: PCNT: BP4

Labcorp Genetics (formerly Invitae), Labcorp
Classification: Likely benign. Last evaluated: 2026-01-13. Review status: criteria provided, single submitter. Criteria: Invitae Variant Classification Sherloc (09022015). Collection method: clinical testing. Allele origin: germline.

Blueprint Genetics
Classification: Likely benign. Last evaluated: 2024-10-28. Review status: criteria provided, single submitter. Criteria: ACMG Guidelines, 2015. Collection method: clinical testing. Allele origin: germline.

Illumina Laboratory Services, Illumina
Classification: Uncertain significance for Microcephalic osteodysplastic primordial dwarfism type II. Last evaluated: 2018-01-13. Review status: criteria provided, single submitter. Criteria: ICSL Variant Classification Criteria 13 December 2019. Collection method: clinical testing. Allele origin: germline.

Eurofins Ntd Llc (ga)
Classification: Uncertain significance. Last evaluated: 2015-11-05. Review status: criteria provided, single submitter. Criteria: EGL Classification Definitions 2015. Collection method: clinical testing. Allele origin: germline. Observed: 2 variant alleles, 2 heterozygotes.

PreventionGenetics, part of Exact Sciences
Classification: Likely benign for PCNT-related condition. Last evaluated: 2021-01-22. Review status: no assertion criteria provided. Collection method: clinical testing. Allele origin: germline. Not counted in ClinVar's aggregate classification.
Comment: This variant is classified as likely benign based on ACMG/AMP sequence variant interpretation guidelines (Richards et al. 2015 PMID: 25741868, with internal and published modifications).

Clinical Genetics DNA and cytogenetics Diagnostics Lab, Erasmus MC, Erasmus Medical Center
Classification: Likely benign. Review status: no assertion criteria provided. Collection method: clinical testing. Allele origin: germline. Affected: yes. Study: VKGL Data-share Consensus. Not counted in ClinVar's aggregate classification.

Laboratory of Diagnostic Genome Analysis, Leiden University Medical Center (LUMC)
Classification: Likely benign. Review status: no assertion criteria provided. Collection method: clinical testing. Allele origin: germline. Affected: yes. Study: VKGL Data-share Consensus. Not counted in ClinVar's aggregate classification.